The following is an entry in ClinVar:

NM_000094.4(COL7A1):c.6745C>T (p.Gln2249Ter)

Gene: COL7A1 (collagen type VII alpha 1 chain; minus strand). Cytogenetic location: 3p21.31.
Variant type: single nucleotide variant.
Coding change: c.6745C>T on transcript NM_000094.4 (MANE Select); coding-DNA position 6745, C replaced by T.
Protein change: p.Gln2249Ter; replaces glutamine 2249 with a stop codon.
Molecular consequence: nonsense.
Genome position (GRCh38, 1-based): chr3:48,573,026, G>A on the plus strand (C>T on the coding strand, the complement: COL7A1 is on the minus strand). VCF-style: chr3-48573026-G-A. GRCh37 (hg19) VCF-style: chr3-48610459-G-A.
Other names: short protein forms Q2249*.
Identifiers: ClinVar variation 848235 (VCV000848235.9), dbSNP rs769294243, ClinGen allele CA352655047.

ClinVar aggregate classification (germline): Pathogenic. Review status: criteria provided, multiple submitters, no conflicts (2 of 4 stars). 4 submissions from 4 submitters: Pathogenic (3). 1 of the submissions does not count toward it. Last evaluated 2026-07-22.

Conditions:
Recessive dystrophic epidermolysis bullosa (RDEB). Also called: Hallopeau-Siemens Disease; EPIDERMOLYSIS BULLOSA DYSTROPHICA, GENERALIZED SEVERE, AUTOSOMAL RECESSIVE; Epidermolysis Bullosa Distrophica Autosomal Recessive (RDEB); DYSTROPHIC EPIDERMOLYSIS BULLOSA, AUTOSOMAL RECESSIVE; EPIDERMOLYSIS BULLOSA DYSTROPHICA, HALLOPEAU-SIEMENS TYPE; epidermolysis bullosa dystrophica, autosomal recessive. Identifiers: Orphanet 79408, Orphanet 79409, MedGen C0079474, MONDO:0009179, OMIM 226600.
Epidermolysis bullosa dystrophica. Also called: Dystrophic epidermolysis bullosa, Hallopeau-Siemens type (formerly); Dystrophic epidermolysis bullosa. Identifiers: Orphanet 303, MedGen C0079294, MONDO:0006543.

Allele frequency attached by ClinVar (database versions not stated): gnomAD exomes 0.00001.
gnomAD v4.1: 3 of 1,614,094 alleles (0.00019%); highest among the groups gnomAD compares: South Asian, 0.0011%; no homozygotes.

Submissions (4):

Myriad Genetics, Inc.
Classification: Pathogenic for Recessive dystrophic epidermolysis bullosa. Last evaluated: 2026-07-22. Review status: criteria provided, single submitter. Criteria: Myriad Autosomal Dominant, Autosomal Recessive and X-Linked Classification Criteria (2023). Collection method: clinical testing. Allele origin: unknown.
Comment: NM_000094.3(COL7A1):c.6745C>T(Q2249*) is expected to be pathogenic in the context of dystrophic epidermolysis bullosa. This variant is predicted to lead to an abnormal or absent protein product due to the creation of a premature termination codon in COL7A1, a gene where loss-of-function variants are known to be pathogenic. Please note: this variant was assessed in the context of healthy population screening.

GeneDx
Classification: Pathogenic. Last evaluated: 2026-02-23. Review status: criteria provided, single submitter. Criteria: GeneDx Variant Classification Process June 2021. Collection method: clinical testing. Allele origin: germline.
Comment: Reported with a second COL7A1 variant in patients with dystrophic epidermolysis bullosa tested at GeneDx and reported in the published literature, but it is not known whether the variants occurred on the same (in cis) or on different (in trans) alleles (PMID: 19681861); Nonsense variant predicted to result in protein truncation or nonsense mediated decay in a gene for which loss of function is a known mechanism of disease; Not observed at significant frequency in large population cohorts (gnomAD); This variant is associated with the following publications: (PMID: 25525159, 19681861)

Labcorp Genetics (formerly Invitae), Labcorp
Classification: Pathogenic. Last evaluated: 2024-10-30. Review status: criteria provided, single submitter. Criteria: Invitae Variant Classification Sherloc (09022015). Collection method: clinical testing. Allele origin: germline.
Comment: This sequence change creates a premature translational stop signal (p.Gln2249*) in the COL7A1 gene. It is expected to result in an absent or disrupted protein product. Loss-of-function variants in COL7A1 are known to be pathogenic (PMID: 16971478). This variant is not present in population databases (gnomAD no frequency). This premature translational stop signal has been observed in individual(s) with dystrophic epidermolysis bullosa (PMID: 19681861). ClinVar contains an entry for this variant (Variation ID: 848235). Algorithms developed to predict the effect of sequence changes on RNA splicing suggest that this variant may disrupt the consensus splice site. For these reasons, this variant has been classified as Pathogenic.

Natera, Inc.
Classification: Pathogenic for Dystrophic epidermolysis bullosa. Last evaluated: 2021-05-24. Review status: no assertion criteria provided. Collection method: clinical testing. Allele origin: germline. Not counted in ClinVar's aggregate classification.

Literature cited by the submitters: PubMed 16971478 (cited by Labcorp Genetics (formerly Invitae), Labcorp); PubMed 19681861 (cited by Labcorp Genetics (formerly Invitae), Labcorp).